The following is an entry in ClinVar:

ClinVar aggregate classification (germline): Uncertain significance (1 of 4 stars; one submission).

Conditions:
PLXNA4-related disorder. Also called: PLXNA4-related condition.

Allele frequency attached by ClinVar (database versions not stated): TOPMed below 0.00001.
gnomAD v4.1: 1 of 1,613,994 alleles (0.000062%); highest among the groups gnomAD compares: African/African-American, 0.0013%; no homozygotes.

Submission:

PreventionGenetics, part of Exact Sciences
Classification: Uncertain significance for PLXNA4-related condition. Last evaluated: 2022-10-23. Review status: criteria provided, single submitter. Criteria: ACMG Guidelines, 2015. Collection method: clinical testing. Allele origin: germline.
Comment: The PLXNA4 c.2362C>T variant is predicted to result in the amino acid substitution p.His788Tyr. To our knowledge, this variant has not been reported in the literature. This variant is reported in 0.0065% of alleles in individuals of African descent in gnomAD. At this time, the clinical significance of this variant is uncertain due to the absence of conclusive functional and genetic evidence.

NM_020911.2(PLXNA4):c.2362C>T (p.His788Tyr)

Gene: PLXNA4 (plexin A4; minus strand). Cytogenetic location: 7q32.3.
Variant type: single nucleotide variant.
Coding change: c.2362C>T on transcript NM_020911.2 (MANE Select); coding-DNA position 2362, C replaced by T.
Protein change: p.His788Tyr; replaces histidine 788 with tyrosine.
Molecular consequence: missense variant.
Genome position (GRCh38, 1-based): chr7:132,203,356, G>A on the plus strand (C>T on the coding strand, the complement: PLXNA4 is on the minus strand). VCF-style: chr7-132203356-G-A. GRCh37 (hg19) VCF-style: chr7-131888115-G-A.
Other names: c.2362C>T, p.His788Tyr (NM_001393897.1); short protein forms H788Y.
Identifiers: ClinVar variation 2631981 (VCV002631981.1), dbSNP rs1266617127, ClinGen allele CA369307013.